The following is an entry in ClinVar:

NM_005726.6(TSFM):c.69T>A (p.Leu23=)

Gene: TSFM (Ts translation elongation factor, mitochondrial; plus strand). Cytogenetic location: 12q14.1.
Variant type: single nucleotide variant.
Coding change: c.69T>A on transcript NM_005726.6 (MANE Select); coding-DNA position 69, T replaced by A.
Protein change: p.Leu23=; no amino-acid change (leucine 23 retained).
Molecular consequence: synonymous variant.
Genome position (GRCh38, 1-based): chr12:57,783,121, T>A. VCF-style: chr12-57783121-T-A. GRCh37 (hg19) VCF-style: chr12-58176904-T-A.
Other names: p.Leu23=; c.69T>A, p.Leu23= (NM_001172696.2, NM_001172695.2, NM_001172697.2).
Identifiers: ClinVar variation 310007 (VCV000310007.18), dbSNP rs147317818, ClinGen allele CA6659210.

ClinVar aggregate classification (germline): Conflicting classifications of pathogenicity. Review status: criteria provided, conflicting classifications (1 of 4 stars). 7 submissions from 7 submitters: Uncertain significance (1); Benign (1); Likely benign (3). 2 of the submissions do not count toward it. Last evaluated 2026-01-30.

Conditions:
Fatal mitochondrial disease due to combined oxidative phosphorylation defect type 3. Also called: Combined oxidative phosphorylation deficiency 3; ENCEPHALOMYOPATHY, RESPIRATORY FAILURE, AND LACTIC ACIDOSIS. Identifiers: Orphanet 168566, MedGen C1864840, MONDO:0012512, OMIM 610505.
TSFM-related disorder. Also called: TSFM-related condition.

Allele frequency attached by ClinVar (database versions not stated): gnomAD exomes 0.00007 and 0.00013; ExAC 0.00020; 1000 Genomes Project 0.00040; 1000 Genomes Project 30x 0.00047; ESP Exome Variant Server 0.00069; TOPMed 0.00074; gnomAD 0.00086.
gnomAD v4.1: 212 of 1,610,598 alleles (0.013%); highest among the groups gnomAD compares: African/African-American, 0.27%; no homozygotes.

Submissions (7):

Labcorp Genetics (formerly Invitae), Labcorp
Classification: Benign. Last evaluated: 2026-01-30. Review status: criteria provided, single submitter. Criteria: Invitae Variant Classification Sherloc (09022015). Collection method: clinical testing. Allele origin: germline.

Mayo Clinic Laboratories, Mayo Clinic
Classification: Likely benign. Last evaluated: 2025-10-31. Review status: criteria provided, single submitter. Criteria: ACMG Guidelines, 2015. Collection method: clinical testing. Allele origin: germline. Observed: 2 variant alleles.
Comment: BS1, BP4, BP7

Blueprint Genetics
Classification: Likely benign. Last evaluated: 2023-01-19. Review status: criteria provided, single submitter. Criteria: ACMG Guidelines, 2015. Collection method: clinical testing. Allele origin: germline.

Illumina Laboratory Services, Illumina
Classification: Uncertain significance for Fatal mitochondrial disease due to combined oxidative phosphorylation defect type 3. Last evaluated: 2018-01-13. Review status: criteria provided, single submitter. Criteria: ICSL Variant Classification Criteria 13 December 2019. Collection method: clinical testing. Allele origin: germline.

GeneDx
Classification: Likely benign. Last evaluated: 2017-09-25. Review status: criteria provided, single submitter. Criteria: GeneDx Variant Classification (06012015). Collection method: clinical testing. Allele origin: germline. Affected: yes.
Comment: This variant is considered likely benign or benign based on one or more of the following criteria: it is a conservative change, it occurs at a poorly conserved position in the protein, it is predicted to be benign by multiple in silico algorithms, and/or has population frequency not consistent with disease.

Natera, Inc.
Classification: Likely benign for Combined oxidative phosphorylation deficiency 3. Last evaluated: 2020-09-16. Review status: no assertion criteria provided. Collection method: clinical testing. Allele origin: germline. Not counted in ClinVar's aggregate classification.

PreventionGenetics, part of Exact Sciences
Classification: Likely benign for TSFM-related condition. Last evaluated: 2019-09-26. Review status: no assertion criteria provided. Collection method: clinical testing. Allele origin: germline. Not counted in ClinVar's aggregate classification.
Comment: This variant is classified as likely benign based on ACMG/AMP sequence variant interpretation guidelines (Richards et al. 2015 PMID: 25741868, with internal and published modifications).